The following is an entry in ClinVar:

NM_002691.4(POLD1):c.2427C>G (p.Tyr809Ter)

Gene: POLD1 (DNA polymerase delta 1, catalytic subunit; plus strand). Cytogenetic location: 19q13.33.
Variant type: single nucleotide variant.
Coding change: c.2427C>G on transcript NM_002691.4 (MANE Select); coding-DNA position 2427, C replaced by G.
Protein change: p.Tyr809Ter; replaces tyrosine 809 with a stop codon.
Molecular consequence: nonsense. On other transcripts: non-coding transcript variant (1).
Genome position (GRCh38, 1-based): chr19:50,414,853, C>G. VCF-style: chr19-50414853-C-G. GRCh37 (hg19) VCF-style: chr19-50918110-C-G.
Other names: c.2427C>G, p.Tyr809Ter (NM_001256849.1); c.2505C>G, p.Tyr835Ter (NM_001308632.1); short protein forms Y809*, Y835*.
Identifiers: ClinVar variation 639229 (VCV000639229.3), dbSNP rs775317882, ClinGen allele CA406984667.

ClinVar aggregate classification (germline): Uncertain significance (1 of 4 stars; one submission).

Conditions:
POLD1-related polyposis and colorectal cancer syndrome (CRCS10). Also called: Colorectal cancer, susceptibility to, 10; Colorectal cancer 10; COLORECTAL CANCER, SUSCEPTIBILITY TO, ON CHROMOSOME 19q. Identifiers: Orphanet 220460, MedGen C2675481, MONDO:0012953, OMIM 612591.

Submission:

Labcorp Genetics (formerly Invitae), Labcorp
Classification: Uncertain significance for POLD1-related polyposis and colorectal cancer syndrome. Last evaluated: 2025-12-01. Review status: criteria provided, single submitter. Criteria: Invitae Variant Classification Sherloc (09022015). Collection method: clinical testing. Allele origin: germline.
Comment: This sequence change creates a premature translational stop signal (p.Tyr809*) in the POLD1 gene. Missense variants that disrupt the 3'-5' exonuclease (proof-reading) activity of the POLD1 protein are associated with PPAP (polymerase proofreading–associated polyposis) (PMID: 23263490, 23447401). However, loss-of-function variants that result in an absent or severely disrupted POLD1 protein, and missense variants outside the exonuclease domain, are unlikely to be associated with PPAP. This variant is not present in population databases (gnomAD no frequency). This variant has not been reported in the literature in individuals affected with POLD1-related conditions. ClinVar contains an entry for this variant (Variation ID: 639229). In summary, the available evidence is currently insufficient to determine the role of this variant in disease. Therefore, it has been classified as a Variant of Uncertain Significance.

Literature cited by the submitters: PubMed 23263490; PubMed 23447401.